The following is an entry in ClinVar:

ClinVar aggregate classification (germline): Uncertain significance (1 of 4 stars; one submission).

Allele frequency attached by ClinVar (database versions not stated): gnomAD exomes below 0.00001; ExAC 0.00001; gnomAD 0.00001; TOPMed 0.00001.
gnomAD v4.1: 2 of 1,614,042 alleles (0.00012%); highest among the groups gnomAD compares: East Asian, 0.0045%; no homozygotes.

Submission:

Labcorp Genetics (formerly Invitae), Labcorp
Classification: Uncertain significance. Last evaluated: 2022-07-19. Review status: criteria provided, single submitter. Criteria: Invitae Variant Classification Sherloc (09022015). Collection method: clinical testing. Allele origin: germline.
Comment: This sequence change replaces arginine, which is basic and polar, with isoleucine, which is neutral and non-polar, at codon 485 of the MAK protein (p.Arg485Ile). This variant is present in population databases (rs759716806, gnomAD 0.01%). This variant has not been reported in the literature in individuals affected with MAK-related conditions. ClinVar contains an entry for this variant (Variation ID: 942582). Experimental studies and prediction algorithms are not available or were not evaluated, and the functional significance of this variant is currently unknown. In summary, the available evidence is currently insufficient to determine the role of this variant in disease. Therefore, it has been classified as a Variant of Uncertain Significance.

NM_001242957.3(MAK):c.1454G>T (p.Arg485Ile)

Gene: MAK (male germ cell associated kinase; minus strand). Cytogenetic location: 6p24.2.
Variant type: single nucleotide variant.
Coding change: c.1454G>T on transcript NM_001242957.3 (MANE Select); coding-DNA position 1454, G replaced by T.
Protein change: p.Arg485Ile; replaces arginine 485 with isoleucine.
Molecular consequence: missense variant. On other transcripts: non-coding transcript variant (2).
Genome position (GRCh38, 1-based): chr6:10,784,435, C>A on the plus strand (G>T on the coding strand, the complement: MAK is on the minus strand). VCF-style: chr6-10784435-C-A. GRCh37 (hg19) VCF-style: chr6-10784668-C-A.
Other names: c.1454G>T, p.Arg485Ile (NM_001242385.2, NM_005906.6); c.1352G>T, p.Arg451Ile (NM_001377262.1); short protein forms R451I, R485I.
Identifiers: ClinVar variation 942582 (VCV000942582.7), dbSNP rs759716806, ClinGen allele CA3633436.